The following is an entry in ClinVar:

NM_001369.3(DNAH5):c.5281C>G (p.Arg1761Gly)

Gene: DNAH5 (dynein axonemal heavy chain 5; minus strand). Cytogenetic location: 5p15.2.
Variant type: single nucleotide variant.
Coding change: c.5281C>G on transcript NM_001369.3 (MANE Select); coding-DNA position 5281, C replaced by G.
Protein change: p.Arg1761Gly; replaces arginine 1761 with glycine.
Molecular consequence: missense variant.
Genome position (GRCh38, 1-based): chr5:13,841,895, G>C on the plus strand (C>G on the coding strand, the complement: DNAH5 is on the minus strand). VCF-style: chr5-13841895-G-C. GRCh37 (hg19) VCF-style: chr5-13842004-G-C.
Other names: short protein forms R1761G.
Identifiers: ClinVar variation 258045 (VCV000258045.23), dbSNP rs148891849, ClinGen allele CA3203710.

ClinVar aggregate classification (germline): Benign/Likely benign. Review status: criteria provided, multiple submitters, no conflicts (2 of 4 stars). 7 submissions from 7 submitters: Benign (3); Likely benign (3). 1 of the submissions does not count toward it. Last evaluated 2026-01-21.

Conditions:
Primary ciliary dyskinesia 3. Identifiers: Orphanet 244, MedGen C1837618, MONDO:0012085, OMIM 608644.
Primary ciliary dyskinesia. Also called: Ciliary dyskinesia. Identifiers: Orphanet 244, MedGen C0008780, MONDO:0016575, HP:0012265.

Allele frequency attached by ClinVar (database versions not stated): 1000 Genomes Project 30x 0.00281; ESP Exome Variant Server 0.00331; gnomAD 0.00351 and 0.00388; 1000 Genomes Project 0.00359.
gnomAD v4.1: 719 of 1,093,802 alleles (0.066%); highest among the groups gnomAD compares: African/African-American, 1.3%; 2 homozygotes.

Submissions (7):

Labcorp Genetics (formerly Invitae), Labcorp
Classification: Benign for Primary ciliary dyskinesia. Last evaluated: 2026-01-21. Review status: criteria provided, single submitter. Criteria: Invitae Variant Classification Sherloc (09022015). Collection method: clinical testing. Allele origin: germline.

Blueprint Genetics
Classification: Likely benign. Last evaluated: 2024-10-09. Review status: criteria provided, single submitter. Criteria: ACMG Guidelines, 2015. Collection method: clinical testing. Allele origin: germline.

GeneDx
Classification: Likely benign. Last evaluated: 2021-02-10. Review status: criteria provided, single submitter. Criteria: GeneDx Variant Classification Process June 2021. Collection method: clinical testing. Allele origin: germline. Affected: yes.
Comment: In silico analysis, which includes protein predictors and evolutionary conservation, supports a deleterious effect; This variant is associated with the following publications: (PMID: 27637763)

Illumina Laboratory Services, Illumina
Classification: Likely benign for Primary ciliary dyskinesia 3. Last evaluated: 2017-04-28. Review status: criteria provided, single submitter. Criteria: ICSL Variant Classification Criteria 13 December 2019. Collection method: clinical testing. Allele origin: germline.
Comment: This variant was observed as part of a predisposition screen in an ostensibly healthy population. A literature search was performed for the gene, cDNA change, and amino acid change (where applicable). No publications were found based on this search. Allele frequency data from public databases allowed determination this variant is unlikely to cause disease. Therefore, this variant is classified as likely benign.

Ambry Genetics
Classification: Benign for Primary ciliary dyskinesia. Last evaluated: 2017-03-13. Review status: criteria provided, single submitter. Criteria: Ambry Variant Classification Scheme 2023. Collection method: clinical testing. Allele origin: germline.

PreventionGenetics, part of Exact Sciences
Classification: Benign. Review status: criteria provided, single submitter. Criteria: ACMG Guidelines, 2015. Collection method: clinical testing. Allele origin: germline.

Natera, Inc.
Classification: Likely benign for Primary ciliary dyskinesia. Last evaluated: 2020-01-01. Review status: no assertion criteria provided. Collection method: clinical testing. Allele origin: germline. Not counted in ClinVar's aggregate classification.